The following is an entry in ClinVar:

ClinVar aggregate classification (germline): Uncertain significance (1 of 4 stars; one submission).

Submission:

GeneDx
Classification: Uncertain significance. Last evaluated: 2023-12-12. Review status: criteria provided, single submitter. Criteria: GeneDx Variant Classification Process June 2021. Collection method: clinical testing. Allele origin: germline. Affected: yes.
Comment: Not observed at significant frequency in large population cohorts (gnomAD); In silico analysis supports that this missense variant has a deleterious effect on protein structure/function; Has not been previously published as pathogenic or benign to our knowledge

NM_001375524.1(TRRAP):c.8372G>T (p.Gly2791Val)

Gene: TRRAP (transformation/transcription domain associated protein; plus strand). Cytogenetic location: 7q22.1.
Variant type: single nucleotide variant.
Coding change: c.8372G>T on transcript NM_001375524.1 (MANE Select); coding-DNA position 8372, G replaced by T.
Protein change: p.Gly2791Val; replaces glycine 2791 with valine.
Molecular consequence: missense variant.
Genome position (GRCh38, 1-based): chr7:98,977,063, G>T. VCF-style: chr7-98977063-G-T. GRCh37 (hg19) VCF-style: chr7-98574686-G-T.
Other names: c.8351G>T, p.Gly2784Val (NM_001244580.2); c.8297G>T, p.Gly2766Val (NM_003496.4); short protein forms G2766V, G2784V, G2791V.
Identifiers: ClinVar variation 3365617 (VCV003365617.1).
Genomic context (GRCh38, chr7:98,977,063, plus strand): 5'-TGTGGCAGAAGCGGTGCAAGTACTCGGAGACAGCGACTGCGATTGCTTACGAGCAGCACG[G>T]GTTCTTTGAGCAGGTAAACCTCAGACCACTGACGGTCTTGGGTGTGTAATGAGAGGTCAT-3'
Protein context (NP_001362453.1, residues 2781-2801): TATAIAYEQH[Gly2791Val]FFEQAQESYE